The following is an entry in ClinVar:

NM_000939.4(POMC):c.125A>G (p.Asn42Ser)

Gene: POMC (proopiomelanocortin; minus strand). Cytogenetic location: 2p23.3.
Variant type: single nucleotide variant.
Coding change: c.125A>G on transcript NM_000939.4 (MANE Select); coding-DNA position 125, A replaced by G.
Protein change: p.Asn42Ser; replaces asparagine 42 with serine.
Molecular consequence: missense variant.
Genome position (GRCh38, 1-based): chr2:25,164,648, T>C on the plus strand (A>G on the coding strand, the complement: POMC is on the minus strand). VCF-style: chr2-25164648-T-C. GRCh37 (hg19) VCF-style: chr2-25387517-T-C.
Other names: c.125A>G, p.Asn42Ser (NM_001035256.3, NM_001319204.2, NM_001319205.2); short protein forms N42S.
Identifiers: ClinVar variation 2634856 (VCV002634856.2), dbSNP rs774861632, ClinGen allele CA1555397.

ClinVar aggregate classification (germline): Uncertain significance (1 of 4 stars; one submission).

Conditions:
POMC-related disorder. Also called: POMC-related condition; POMC-related disorders.

Allele frequency attached by ClinVar (database versions not stated): gnomAD exomes 0.00001; TOPMed 0.00001; ExAC 0.00003.
gnomAD v4.1: 13 of 1,614,078 alleles (0.00081%); highest among the groups gnomAD compares: Admixed American, 0.0017%; no homozygotes.

Submission:

PreventionGenetics, part of Exact Sciences
Classification: Uncertain significance for POMC-related condition. Last evaluated: 2026-03-04. Review status: criteria provided, single submitter. Criteria: ACMG Guidelines, 2015. Collection method: clinical testing. Allele origin: germline.
Comment: The POMC c.125A>G variant is predicted to result in the amino acid substitution p.Asn42Ser. To our knowledge, this variant has not been reported in the literature. This variant is reported in 0.0058% of alleles in individuals of Latino descent in gnomAD. At this time, the clinical significance of this variant is uncertain due to the absence of conclusive functional and genetic evidence.